The following is an entry in ClinVar:

ClinVar aggregate classification (germline): Conflicting classifications of pathogenicity. Review status: criteria provided, conflicting classifications (1 of 4 stars). 3 submissions from 3 submitters: Uncertain significance (2); Likely benign (1). Last evaluated 2024-07-01.

Allele frequency attached by ClinVar (database versions not stated): 1000 Genomes Project 30x 0.00016; 1000 Genomes Project 0.00020; gnomAD 0.00094 and 0.00098; TOPMed 0.00103; gnomAD exomes 0.00104 and 0.00195; ExAC 0.00133; ESP Exome Variant Server 0.00177.
gnomAD v4.1: 2,926 of 1,613,834 alleles (0.18%); highest among the groups gnomAD compares: Non-Finnish European, 0.24%; 6 homozygotes.

Submissions (3):

CeGaT Center for Human Genetics Tuebingen
Classification: Likely benign. Last evaluated: 2024-07-01. Review status: criteria provided, single submitter. Criteria: CeGaT Center For Human Genetics Tuebingen Variant Classification Criteria Version 2. Collection method: clinical testing. Allele origin: germline. Affected: yes. Observed: 2 variant alleles.
Comment: HS1BP3: BP4

Ambry Genetics
Classification: Uncertain significance. Last evaluated: 2021-07-14. Review status: criteria provided, single submitter. Criteria: Ambry Variant Classification Scheme 2023. Collection method: clinical testing. Allele origin: germline.

Breakthrough Genomics
Classification: Uncertain significance. Review status: criteria provided, single submitter. Criteria: ACMG Guidelines, 2015. Collection method: not provided. Allele origin: germline. Inheritance: Unknown mechanism. Affected: yes.

NM_022460.4(HS1BP3):c.671C>T (p.Pro224Leu)

Gene: HS1BP3 (HCLS1 binding protein 3; minus strand). Cytogenetic location: 2p24.1.
Variant type: single nucleotide variant.
Coding change: c.671C>T on transcript NM_022460.4 (MANE Select); coding-DNA position 671, C replaced by T.
Protein change: p.Pro224Leu; replaces proline 224 with leucine.
Molecular consequence: missense variant.
Genome position (GRCh38, 1-based): chr2:20,624,845, G>A on the plus strand (C>T on the coding strand, the complement: HS1BP3 is on the minus strand). VCF-style: chr2-20624845-G-A. GRCh37 (hg19) VCF-style: chr2-20824605-G-A.
Other names: c.671C>T (NM_022460.3); short protein forms P224L.
Identifiers: ClinVar variation 808674 (VCV000808674.45), dbSNP rs144429298, ClinGen allele CA1545737.